The following is an entry in ClinVar:

ClinVar aggregate classification (germline): Uncertain significance (1 of 4 stars; one submission).

Conditions:
MEGF10-related myopathy (CMYO10A). Also called: Congenital myopathy 10A, severe variant. Identifiers: Orphanet 439212, MedGen C3280679, MONDO:0013731, OMIM 614399.

Allele frequency attached by ClinVar (database versions not stated): gnomAD exomes below 0.00001.
gnomAD v4.1: 1 of 1,614,112 alleles (0.000062%); highest among the groups gnomAD compares: African/African-American, 0.0013%; no homozygotes.

Submission:

Labcorp Genetics (formerly Invitae), Labcorp
Classification: Uncertain significance for MEGF10-related myopathy. Last evaluated: 2022-07-13. Review status: criteria provided, single submitter. Criteria: Invitae Variant Classification Sherloc (09022015). Collection method: clinical testing. Allele origin: germline.
Comment: This sequence change replaces alanine, which is neutral and non-polar, with threonine, which is neutral and polar, at codon 291 of the MEGF10 protein (p.Ala291Thr). This variant is not present in population databases (gnomAD no frequency). This variant has not been reported in the literature in individuals affected with MEGF10-related conditions. ClinVar contains an entry for this variant (Variation ID: 1051087). Algorithms developed to predict the effect of missense changes on protein structure and function output the following: SIFT: "Tolerated"; PolyPhen-2: "Benign"; Align-GVGD: "Class C0". The threonine amino acid residue is found in multiple mammalian species, which suggests that this missense change does not adversely affect protein function. In summary, the available evidence is currently insufficient to determine the role of this variant in disease. Therefore, it has been classified as a Variant of Uncertain Significance.

NM_001256545.2(MEGF10):c.871G>A (p.Ala291Thr)

Gene: MEGF10 (multiple EGF like domains 10; plus strand). Cytogenetic location: 5q23.2.
Variant type: single nucleotide variant.
Coding change: c.871G>A on transcript NM_001256545.2 (MANE Select); coding-DNA position 871, G replaced by A.
Protein change: p.Ala291Thr; replaces alanine 291 with threonine.
Molecular consequence: missense variant.
Genome position (GRCh38, 1-based): chr5:127,402,636, G>A. VCF-style: chr5-127402636-G-A. GRCh37 (hg19) VCF-style: chr5-126738328-G-A.
Other names: c.871G>A, p.Ala291Thr (NM_001308119.2, NM_001308121.2, NM_032446.3); short protein forms A291T.
Identifiers: ClinVar variation 1051087 (VCV001051087.6), dbSNP rs893376574, ClinGen allele CA126934434.